The following is an entry in ClinVar:

NM_000516.7(GNAS):c.489C>T (p.Tyr163=)

Gene: GNAS (GNAS complex locus; plus strand). Cytogenetic location: 20q13.32.
Variant type: single nucleotide variant.
Coding change: c.489C>T on transcript NM_000516.7 (MANE Select); coding-DNA position 489, C replaced by T.
Protein change: p.Tyr163=; no amino-acid change (tyrosine 163 retained).
Molecular consequence: synonymous variant. On other transcripts: 3 prime UTR variant (2).
Genome position (GRCh38, 1-based): chr20:58,905,439, C>T. VCF-style: chr20-58905439-C-T. GRCh37 (hg19) VCF-style: chr20-57480494-C-T.
Other names: c.492C>T, p.Tyr164= (NM_001077488.5); c.444C>T, p.Tyr148= (NM_001077489.4); c.*350C>T (NM_001077490.3); c.312C>T, p.Tyr104= (NM_001309840.2, NM_001309861.2); c.393C>T, p.Tyr131= (NM_001410912.1); c.2373C>T, p.Tyr791= (NM_001410913.1); c.*395C>T (NM_016592.5); c.2418C>T, p.Tyr806= (NM_080425.4); and 2 more.
Identifiers: ClinVar variation 2746902 (VCV002746902.4), dbSNP rs372290095, ClinGen allele CA9927109.

ClinVar aggregate classification (germline): Likely benign. Review status: criteria provided, single submitter (1 of 4 stars). 2 submissions from 2 submitters: Likely benign (1). 1 of the submissions does not count toward it. Last evaluated 2025-01-14.

Conditions:
GNAS-related disorder. Identifiers: MedGen CN380105.

Allele frequency attached by ClinVar (database versions not stated): ExAC 0.00001; gnomAD 0.00001; gnomAD exomes 0.00001; TOPMed 0.00001; ESP Exome Variant Server 0.00008.
gnomAD v4.1: 22 of 1,609,286 alleles (0.0014%); highest among the groups gnomAD compares: South Asian, 0.0033%; 1 homozygote.

Submissions (2):

Labcorp Genetics (formerly Invitae), Labcorp
Classification: Likely benign. Last evaluated: 2025-01-14. Review status: criteria provided, single submitter. Criteria: Invitae Variant Classification Sherloc (09022015). Collection method: clinical testing. Allele origin: germline.

PreventionGenetics, part of Exact Sciences
Classification: Likely benign for GNAS-related condition. Last evaluated: 2021-02-05. Review status: no assertion criteria provided. Collection method: clinical testing. Allele origin: germline. Not counted in ClinVar's aggregate classification.
Comment: This variant is classified as likely benign based on ACMG/AMP sequence variant interpretation guidelines (Richards et al. 2015 PMID: 25741868, with internal and published modifications).